The following is an entry in ClinVar:

ClinVar aggregate classification (germline): Uncertain significance (1 of 4 stars; one submission).

Conditions:
Hereditary cancer-predisposing syndrome. Also called: Neoplastic Syndromes, Hereditary; Hereditary Cancer Syndrome; Hereditary neoplastic syndrome; Tumor predisposition. Identifiers: Orphanet 140162, MedGen C0027672, MeSH D009386, MONDO:0015356.

Submission:

Ambry Genetics
Classification: Uncertain significance for Hereditary cancer-predisposing syndrome. Last evaluated: 2023-03-24. Review status: criteria provided, single submitter. Criteria: Ambry Variant Classification Scheme 2023. Collection method: clinical testing. Allele origin: germline.
Comment: The p.H471D variant (also known as c.1411C>G), located in coding exon 6 of the BARD1 gene, results from a C to G substitution at nucleotide position 1411. The histidine at codon 471 is replaced by aspartic acid, an amino acid with similar properties. This amino acid position is conserved. In addition, the in silico prediction for this alteration is inconclusive. Since supporting evidence is limited at this time, the clinical significance of this alteration remains unclear.

NM_000465.4(BARD1):c.1411C>G (p.His471Asp)

Gene: BARD1 (BRCA1 associated RING domain 1; minus strand). Cytogenetic location: 2q35.
Variant type: single nucleotide variant.
Coding change: c.1411C>G on transcript NM_000465.4 (MANE Select); coding-DNA position 1411, C replaced by G.
Protein change: p.His471Asp; replaces histidine 471 with aspartic acid.
Molecular consequence: missense variant. On other transcripts: non-coding transcript variant (3), intron variant (3).
Genome position (GRCh38, 1-based): chr2:214,767,639, G>C on the plus strand (C>G on the coding strand, the complement: BARD1 is on the minus strand). VCF-style: chr2-214767639-G-C. GRCh37 (hg19) VCF-style: chr2-215632363-G-C.
Other names: c.1354C>G, p.His452Asp (NM_001282543.2); c.159-15084C>G (NM_001282548.2); c.216-15084C>G (NM_001282545.2); c.364+24658C>G (NM_001282549.2); short protein forms H471D, H452D.
Identifiers: ClinVar variation 2565200 (VCV002565200.2), dbSNP rs867587389, ClinGen allele CA350448762.